The following is an entry in ClinVar:

ClinVar aggregate classification (germline): Benign/Likely benign. Review status: criteria provided, multiple submitters, no conflicts (2 of 4 stars). 3 submissions from 3 submitters: Benign (1); Likely benign (1). 1 of the submissions does not count toward it. Last evaluated 2026-01-26.

Conditions:
Duchenne muscular dystrophy (DMD). Also called: MUSCULAR DYSTROPHY, PSEUDOHYPERTROPHIC PROGRESSIVE, DUCHENNE TYPE; Duchenne Muscular Dystrophy (DMD). Identifiers: Orphanet 98896, MedGen C0013264, MONDO:0010679, OMIM 310200.
Becker muscular dystrophy (BMD). Also called: MUSCULAR DYSTROPHY, PSEUDOHYPERTROPHIC PROGRESSIVE, BECKER TYPE; Becker Muscular Dystrophy (BMD). Identifiers: Orphanet 98895, MedGen C0917713, MONDO:0010311, OMIM 300376.
Cardiomyopathy (CMYO). Also called: Cardiomyopathies. Identifiers: Orphanet 167848, MedGen C0878544, MONDO:0004994, HP:0001638. Inheritance: Various modes of inheritance.
Dystrophin deficiency.

Allele frequency attached by ClinVar (database versions not stated): ExAC 0.00001; TOPMed 0.00002; gnomAD exomes 0.00003.
gnomAD v4.1: 21 of 1,198,379 alleles (0.0018%); highest among the groups gnomAD compares: Middle Eastern, 0.023%; no homozygotes.

Submissions (3):

Labcorp Genetics (formerly Invitae), Labcorp
Classification: Benign for Duchenne muscular dystrophy. Last evaluated: 2026-01-26. Review status: criteria provided, single submitter. Criteria: Invitae Variant Classification Sherloc (09022015). Collection method: clinical testing. Allele origin: germline.

GeneDx
Classification: Likely benign. Last evaluated: 2016-10-14. Review status: criteria provided, single submitter. Criteria: GeneDx Variant Classification (06012015). Collection method: clinical testing. Allele origin: germline. Affected: yes.
Comment: This variant is considered likely benign or benign based on one or more of the following criteria: it is a conservative change, it occurs at a poorly conserved position in the protein, it is predicted to be benign by multiple in silico algorithms, and/or has population frequency not consistent with disease.

Natera, Inc.
Classification: Likely benign for Becker muscular dystrophy; Cardiomyopathy; Duchenne muscular dystrophy; Dystrophin deficiency. Last evaluated: 2018-05-29. Review status: no assertion criteria provided. Collection method: clinical testing. Allele origin: germline. Not counted in ClinVar's aggregate classification.

NM_004006.3(DMD):c.11046+11T>C

Gene: DMD (dystrophin; minus strand). Cytogenetic location: Xp21.2.
Variant type: single nucleotide variant.
Coding change: c.11046+11T>C on transcript NM_004006.3 (MANE Select); 11 bases into the intron after coding-DNA position 11046, T replaced by C.
Molecular consequence: intron variant.
Genome position (GRCh38, 1-based): chrX:31,126,631, A>G on the plus strand (T>C on the coding strand, the complement: DMD is on the minus strand). VCF-style: chrX-31126631-A-G. GRCh37 (hg19) VCF-style: chrX-31144748-A-G.
Other names: c.11022+11T>C (NM_000109.4); c.7023+11T>C (NM_004011.4); c.7014+11T>C (NM_004012.4); c.3305-4701T>C (NM_004023.3); c.3336+11T>C (NM_004020.4); c.3596-4701T>C (NM_004022.3); c.3635-4701T>C (NM_004021.3); c.3666+11T>C (NM_004013.3); and 7 more.
Identifiers: ClinVar variation 379297 (VCV000379297.10), dbSNP rs754992621, ClinGen allele CA10377475.
Genomic context (GRCh38, chrX:31,126,631, plus strand): 5'-CACAAACGCCAAACATAAAAAGCAGGATGAGACAGACAGAAGCCATGGCCGTGAGCCTGA[A>G]TCTCACTAACCTCTCTCATTGGCTTTCCAGGGGTATTTCTTCCTTTAATAATAGAGAGAG-3'